The following is an entry in ClinVar:

NM_001369.3(DNAH5):c.5821A>G (p.Ile1941Val)

Gene: DNAH5 (dynein axonemal heavy chain 5; minus strand). Cytogenetic location: 5p15.2.
Variant type: single nucleotide variant.
Coding change: c.5821A>G on transcript NM_001369.3 (MANE Select); coding-DNA position 5821, A replaced by G.
Protein change: p.Ile1941Val; replaces isoleucine 1941 with valine.
Molecular consequence: missense variant.
Genome position (GRCh38, 1-based): chr5:13,839,417, T>C on the plus strand (A>G on the coding strand, the complement: DNAH5 is on the minus strand). VCF-style: chr5-13839417-T-C. GRCh37 (hg19) VCF-style: chr5-13839526-T-C.
Other names: short protein forms I1941V.
Identifiers: ClinVar variation 906738 (VCV000906738.7), dbSNP rs754033261, ClinGen allele CA3203566.

ClinVar aggregate classification (germline): Uncertain significance. Review status: criteria provided, multiple submitters, no conflicts (2 of 4 stars). 2 submissions from 2 submitters: Uncertain significance (2). Last evaluated 2023-05-25.

Conditions:
Primary ciliary dyskinesia 3. Identifiers: Orphanet 244, MedGen C1837618, MONDO:0012085, OMIM 608644.
Primary ciliary dyskinesia. Also called: Ciliary dyskinesia. Identifiers: Orphanet 244, MedGen C0008780, MONDO:0016575, HP:0012265.

gnomAD v4.1: 1 of 1,614,074 alleles (0.000062%); highest among the groups gnomAD compares: Non-Finnish European, 0.000085%; no homozygotes.

Submissions (2):

Labcorp Genetics (formerly Invitae), Labcorp
Classification: Uncertain significance for Primary ciliary dyskinesia. Last evaluated: 2023-05-25. Review status: criteria provided, single submitter. Criteria: Invitae Variant Classification Sherloc (09022015). Collection method: clinical testing. Allele origin: germline.
Comment: This variant has not been reported in the literature in individuals affected with DNAH5-related conditions. ClinVar contains an entry for this variant (Variation ID: 906738). Advanced modeling of protein sequence and biophysical properties (such as structural, functional, and spatial information, amino acid conservation, physicochemical variation, residue mobility, and thermodynamic stability) performed at Invitae indicates that this missense variant is not expected to disrupt DNAH5 protein function. In summary, the available evidence is currently insufficient to determine the role of this variant in disease. Therefore, it has been classified as a Variant of Uncertain Significance. This sequence change replaces isoleucine, which is neutral and non-polar, with valine, which is neutral and non-polar, at codon 1941 of the DNAH5 protein (p.Ile1941Val). This variant is present in population databases (rs754033261, gnomAD 0.002%).

Illumina Laboratory Services, Illumina
Classification: Uncertain significance for Primary ciliary dyskinesia 3. Last evaluated: 2018-01-13. Review status: criteria provided, single submitter. Criteria: ICSL Variant Classification Criteria 13 December 2019. Collection method: clinical testing. Allele origin: germline.